The following is an entry in ClinVar:

NM_025099.6(CTC1):c.2942A>G (p.Asn981Ser)

Gene: CTC1 (CST telomere replication complex component 1; minus strand). Cytogenetic location: 17p13.1.
Variant type: single nucleotide variant.
Coding change: c.2942A>G on transcript NM_025099.6 (MANE Select); coding-DNA position 2942, A replaced by G.
Protein change: p.Asn981Ser; replaces asparagine 981 with serine.
Molecular consequence: missense variant. On other transcripts: non-coding transcript variant (1).
Genome position (GRCh38, 1-based): chr17:8,229,960, T>C on the plus strand (A>G on the coding strand, the complement: CTC1 is on the minus strand). VCF-style: chr17-8229960-T-C. GRCh37 (hg19) VCF-style: chr17-8133278-T-C.
Other names: short protein forms N981S.
Identifiers: ClinVar variation 1418094 (VCV001418094.8), dbSNP rs375371933, ClinGen allele CA8371931.
Genomic context (GRCh38, chr17:8,229,960, plus strand): 5'-GTCTCAGGGGGAAAACTCAGGACCTGCACATAAGTGGATGACCGGAAACAACAATAAACA[T>C]TGTGAGATCTGCAAGTGGAAGAGGAATAGTGAGTGACCAGGAAGACAAGGCAAATTGGGG-3'
Protein context (NP_079375.3, residues 971-991): QLEKRVSRSH[Asn981Ser]VYCCFRSSTY

ClinVar aggregate classification (germline): Uncertain significance (1 of 4 stars; one submission).

Conditions:
Dyskeratosis congenita. Identifiers: Orphanet 1775, MedGen C0265965, MONDO:0015780.

Allele frequency attached by ClinVar (database versions not stated): gnomAD exomes 0.00003; ExAC 0.00006; ESP Exome Variant Server 0.00008.
gnomAD v4.1: 9 of 1,613,832 alleles (0.00056%); highest among the groups gnomAD compares: Middle Eastern, 0.016%; no homozygotes.

Submission:

Labcorp Genetics (formerly Invitae), Labcorp
Classification: Uncertain significance for Dyskeratosis congenita. Last evaluated: 2021-07-19. Review status: criteria provided, single submitter. Criteria: Invitae Variant Classification Sherloc (09022015). Collection method: clinical testing. Allele origin: germline.
Comment: In summary, the available evidence is currently insufficient to determine the role of this variant in disease. Therefore, it has been classified as a Variant of Uncertain Significance. Algorithms developed to predict the effect of missense changes on protein structure and function are either unavailable or do not agree on the potential impact of this missense change (SIFT: "Tolerated"; PolyPhen-2: "Probably Damaging"; Align-GVGD: "Class C0"). This variant has not been reported in the literature in individuals affected with CTC1-related conditions. This variant is present in population databases (rs375371933, ExAC 0.009%). This sequence change replaces asparagine with serine at codon 981 of the CTC1 protein (p.Asn981Ser). The asparagine residue is moderately conserved and there is a small physicochemical difference between asparagine and serine.